The following is an entry in ClinVar:

ClinVar aggregate classification (germline): Uncertain significance (1 of 4 stars; one submission).

Submission:

Labcorp Genetics (formerly Invitae), Labcorp
Classification: Uncertain significance. Last evaluated: 2026-01-31. Review status: criteria provided, single submitter. Criteria: Invitae Variant Classification Sherloc (09022015). Collection method: clinical testing. Allele origin: germline.
Comment: This sequence change replaces phenylalanine, which is neutral and non-polar, with cysteine, which is neutral and slightly polar, at codon 431 of the NFIA protein (p.Phe431Cys). This variant is not present in population databases (gnomAD no frequency). This variant has not been reported in the literature in individuals affected with NFIA-related conditions. An algorithm developed to predict the effect of missense changes on protein structure and function (PolyPhen-2) suggests that this variant is likely to be disruptive. In summary, the available evidence is currently insufficient to determine the role of this variant in disease. Therefore, it has been classified as a Variant of Uncertain Significance.

NM_001134673.4(NFIA):c.1292T>G (p.Phe431Cys)

Gene: NFIA (nuclear factor I A; plus strand). Cytogenetic location: 1p31.3.
Variant type: single nucleotide variant.
Coding change: c.1292T>G on transcript NM_001134673.4 (MANE Select); coding-DNA position 1292, T replaced by G.
Protein change: p.Phe431Cys; replaces phenylalanine 431 with cysteine.
Molecular consequence: missense variant.
Genome position (GRCh38, 1-based): chr1:61,406,599, T>G. VCF-style: chr1-61406599-T-G. GRCh37 (hg19) VCF-style: chr1-61872271-T-G.
Other names: c.1268T>G, p.Phe423Cys (NM_001145511.2); c.1427T>G, p.Phe476Cys (NM_001145512.2); c.1292T>G, p.Phe431Cys (NM_005595.5); short protein forms F423C, F476C, F431C.
Identifiers: ClinVar variation 4736495 (VCV004736495.1).